The following is an entry in ClinVar:

ClinVar aggregate classification (germline): Likely benign (1 of 4 stars; one submission).

Allele frequency attached by ClinVar (database versions not stated): gnomAD 0.00001; TOPMed 0.00004.
gnomAD v4.1: 31 of 1,526,710 alleles (0.002%); highest among the groups gnomAD compares: Middle Eastern, 0.017%; no homozygotes.

Submission:

CeGaT Center for Human Genetics Tuebingen
Classification: Likely benign. Last evaluated: 2022-06-01. Review status: criteria provided, single submitter. Criteria: CeGaT Center For Human Genetics Tuebingen Variant Classification Criteria Version 2. Collection method: clinical testing. Allele origin: germline. Affected: yes. Observed: 1 variant allele.
Comment: PHLPP1: BP4, BP7

NM_194449.4(PHLPP1):c.1116C>T (p.Ser372=)

Gene: PHLPP1 (PH domain and leucine rich repeat protein phosphatase 1; plus strand). Cytogenetic location: 18q21.33.
Variant type: single nucleotide variant.
Coding change: c.1116C>T on transcript NM_194449.4 (MANE Select); coding-DNA position 1116, C replaced by T.
Protein change: p.Ser372=; no amino-acid change (serine 372 retained).
Molecular consequence: synonymous variant.
Genome position (GRCh38, 1-based): chr18:62,716,799, C>T. VCF-style: chr18-62716799-C-T. GRCh37 (hg19) VCF-style: chr18-60384032-C-T.
Identifiers: ClinVar variation 2648788 (VCV002648788.24), dbSNP rs929991204, ClinGen allele CA301975666.